The following is an entry in ClinVar:

ClinVar aggregate classification (germline): Uncertain significance. Review status: criteria provided, multiple submitters, no conflicts (2 of 4 stars). 3 submissions from 3 submitters: Uncertain significance (3). Last evaluated 2026-09-07.

Conditions:
Long QT syndrome (LQTS). Identifiers: MedGen C0023976, MeSH D008133, MONDO:0002442. Disease mechanism: loss of function. Inheritance: Various modes of inheritance.
Cardiovascular phenotype. Identifiers: MedGen CN230736.
Cardiac arrhythmia. Also called: Arrhythmia; Cardiac rhythm disease. Identifiers: MedGen C0003811, MONDO:0007263, HP:0011675.

Allele frequency attached by ClinVar (database versions not stated): gnomAD exomes below 0.00001; gnomAD 0.00001; TOPMed 0.00002.
gnomAD v4.1: 5 of 1,612,584 alleles (0.00031%); highest among the groups gnomAD compares: African/African-American, 0.004%; no homozygotes.

Submissions (3):

Ambry Genetics
Classification: Uncertain significance for Cardiovascular phenotype. Last evaluated: 2026-09-07. Review status: criteria provided, single submitter. Criteria: Ambry Variant Classification Scheme 2023. Collection method: clinical testing. Allele origin: germline.
Comment: The p.H309Y variant (also known as c.925C>T), located in coding exon 5 of the KCNH2 gene, results from a C to T substitution at nucleotide position 925. The histidine at codon 309 is replaced by tyrosine, an amino acid with similar properties. This amino acid position is conserved. In addition, this alteration is predicted to be deleterious by in silico analysis. Based on the available evidence, the clinical significance of this variant remains unclear.

Labcorp Genetics (formerly Invitae), Labcorp
Classification: Uncertain significance for Long QT syndrome. Last evaluated: 2024-11-18. Review status: criteria provided, single submitter. Criteria: Invitae Variant Classification Sherloc (09022015). Collection method: clinical testing. Allele origin: germline.
Comment: This sequence change replaces histidine, which is basic and polar, with tyrosine, which is neutral and polar, at codon 309 of the KCNH2 protein (p.His309Tyr). This variant is present in population databases (no rsID available, gnomAD 0.008%). This variant has not been reported in the literature in individuals affected with KCNH2-related conditions. ClinVar contains an entry for this variant (Variation ID: 526915). An algorithm developed to predict the effect of missense changes on protein structure and function (PolyPhen-2) suggests that this variant is likely to be tolerated. In summary, the available evidence is currently insufficient to determine the role of this variant in disease. Therefore, it has been classified as a Variant of Uncertain Significance.

Color Diagnostics, LLC DBA Color Health
Classification: Uncertain significance for Cardiac arrhythmia. Last evaluated: 2024-09-03. Review status: criteria provided, single submitter. Criteria: ACMG Guidelines, 2015. Collection method: clinical testing. Allele origin: germline.
Comment: This missense variant replaces histidine with tyrosine at codon 309 of the KCNH2 protein. Computational prediction is inconclusive regarding the impact of this variant on protein structure and function. To our knowledge, functional studies have not been reported for this variant. This variant has not been reported in individuals affected with KCNH2-related disorders in the literature. This variant has been identified in 2/281262 chromosomes in the general population by the Genome Aggregation Database (gnomAD). The available evidence is insufficient to determine the role of this variant in disease conclusively. Therefore, this variant is classified as a Variant of Uncertain Significance.

NM_000238.4(KCNH2):c.925C>T (p.His309Tyr)

Gene: KCNH2 (potassium voltage-gated channel subfamily H member 2; minus strand). Cytogenetic location: 7q36.1.
Variant type: single nucleotide variant.
Coding change: c.925C>T on transcript NM_000238.4 (MANE Select); coding-DNA position 925, C replaced by T.
Protein change: p.His309Tyr; replaces histidine 309 with tyrosine.
Molecular consequence: missense variant.
Genome position (GRCh38, 1-based): chr7:150,957,494, G>A on the plus strand (C>T on the coding strand, the complement: KCNH2 is on the minus strand). VCF-style: chr7-150957494-G-A. GRCh37 (hg19) VCF-style: chr7-150654582-G-A.
Other names: c.637C>T, p.His213Tyr (NM_001406753.1, NM_001406756.1); c.748C>T, p.His250Tyr (NM_001406755.1); c.625C>T, p.His209Tyr (NM_001406757.1); c.925C>T, p.His309Tyr (NM_172056.3); short protein forms H309Y, H209Y, H213Y, H250Y.
Identifiers: ClinVar variation 526915 (VCV000526915.11), dbSNP rs1241849013, ClinGen allele CA369861935.